The following is an entry in ClinVar:

NM_006885.4(ZFHX3):c.694C>T (p.Arg232Cys)

Gene: ZFHX3 (zinc finger homeobox 3; minus strand). Cytogenetic location: 16q22.3.
Variant type: single nucleotide variant.
Coding change: c.694C>T on transcript NM_006885.4 (MANE Select); coding-DNA position 694, C replaced by T.
Protein change: p.Arg232Cys; replaces arginine 232 with cysteine.
Molecular consequence: missense variant. On other transcripts: intron variant (1).
Genome position (GRCh38, 1-based): chr16:72,959,452, G>A on the plus strand (C>T on the coding strand, the complement: ZFHX3 is on the minus strand). VCF-style: chr16-72959452-G-A. GRCh37 (hg19) VCF-style: chr16-72993351-G-A.
Other names: c.694C>T, p.Arg232Cys (NM_001386735.1); c.-23-8487C>T (NM_001164766.2); short protein forms R232C.
Identifiers: ClinVar variation 3771215 (VCV003771215.15).

ClinVar aggregate classification (germline): Conflicting classifications of pathogenicity. Review status: criteria provided, conflicting classifications (1 of 4 stars). 2 submissions from 2 submitters: Uncertain significance (1); Likely benign (1). Last evaluated 2025-05-28.

Conditions:
Genetic developmental and epileptic encephalopathy. Identifiers: MedGen CN379639, MONDO:0100062.

Submissions (2):

Victorian Clinical Genetics Services, Murdoch Childrens Research Institute
Classification: Uncertain significance for Genetic developmental and epileptic encephalopathy. Last evaluated: 2025-05-28. Review status: criteria provided, single submitter. Criteria: ACMG Guidelines, 2015. Collection method: clinical testing. Allele origin: germline. Affected: yes.
Comment: This variant is classified as VUS-3A. Evidence in support of pathogenic classification: Variant is present in gnomAD <0.01 (v4: 123 heterozygote(s), 0 homozygote(s)); Missense variant predicted to be damaging by in silico tool(s) or highly conserved with a major amino acid change. Additional information: Variant is predicted to result in a missense amino acid change from arginine to cysteine; This variant is non-coding in an alternative transcript. Whilst this variant is coding in the MANE select transcript, it is non-coding in the most highly expressed transcript of this gene (GTEx). Variants in this exon have been reported in individuals with neurodevelopmental disorder (PMID: 38412861); This variant is heterozygous; This gene is associated with both recessive and dominant disease (PMIDs: 38412861, 38508705); Alternative amino acid change(s) at the same position are present in gnomAD (highest allele count: v4: 14 heterozygote(s), 0 homozygote(s)); Previous evidence of pathogenicity for this variant is inconclusive. This variant has been classified as likely benign by a clinical laboratory in ClinVar, identified in multiple heterozygous individuals with diverse clinical presentations or unaffected heterozygous individuals (personal communication); No published segregation evidence has been identified for this variant; No published functional evidence has been identified for this variant; No comparable missense variants have previous evidence for pathogenicity; Variant is not located in an established domain, motif, hotspot or informative constraint region; Loss of function is a known mechanism of disease in this gene. Monoallelic loss of function variants are associated with neurodevelopmental disorder (MONDO:0700092), ZFHX3-related (PMID: 38412861). Biallelic variants are associated with developmental and epileptic encephalopathy (MONDO:0100062), ZFHX3-related (PMID: 38508705).

CeGaT Center for Human Genetics Tuebingen
Classification: Likely benign. Last evaluated: 2025-02-01. Review status: criteria provided, single submitter. Criteria: CeGaT Center For Human Genetics Tuebingen Variant Classification Criteria Version 2. Collection method: clinical testing. Allele origin: germline. Affected: yes. Observed: 1 variant allele.
Comment: ZFHX3: PP3, BS2

Literature cited by the submitters: PubMed 38508705 (cited by Victorian Clinical Genetics Services, Murdoch Childrens Research Institute); PubMed 38412861 (cited by Victorian Clinical Genetics Services, Murdoch Childrens Research Institute).